The following is an entry in ClinVar:

ClinVar aggregate classification (germline): Uncertain significance (1 of 4 stars; one submission).

Conditions:
Baller-Gerold syndrome (BGS). Also called: CRANIOSYNOSTOSIS WITH RADIAL DEFECTS. Identifiers: Orphanet 1225, MedGen C0265308, MONDO:0009039, OMIM 218600.

Allele frequency attached by ClinVar (database versions not stated): ExAC 0.00001; gnomAD 0.00001; TOPMed 0.00001; ESP Exome Variant Server 0.00008.
gnomAD v4.1: 1 of 1,612,396 alleles (0.000062%); highest among the groups gnomAD compares: Non-Finnish European, 0.000085%; no homozygotes.

Submission:

Labcorp Genetics (formerly Invitae), Labcorp
Classification: Uncertain significance for Baller-Gerold syndrome. Last evaluated: 2018-04-25. Review status: criteria provided, single submitter. Criteria: Invitae Variant Classification Sherloc (09022015). Collection method: clinical testing. Allele origin: germline.
Comment: This variant has not been reported in the literature in individuals with RECQL4-related disease. Algorithms developed to predict the effect of missense changes on protein structure and function (SIFT, PolyPhen-2, Align-GVGD) all suggest that this variant is likely to be tolerated. The arginine amino acid residue is found in multiple mammalian species, suggesting that this missense change does not adversely affect protein function. These predictions have not been confirmed by published functional studies and their clinical significance is uncertain. This variant is present in population databases (rs377546182, ExAC 0.002%). This sequence change replaces tryptophan with arginine at codon 412 of the RECQL4 protein (p.Trp412Arg). The tryptophan residue is highly conserved and there is a moderate physicochemical difference between tryptophan and arginine. In summary, the available evidence is currently insufficient to determine the role of this variant in disease. Therefore, it has been classified as a Variant of Uncertain Significance.

NM_004260.4(RECQL4):c.1234T>C (p.Trp412Arg)

Gene: RECQL4 (RecQ like helicase 4; minus strand). Cytogenetic location: 8q24.3.
Variant type: single nucleotide variant.
Coding change: c.1234T>C on transcript NM_004260.4 (MANE Select); coding-DNA position 1234, T replaced by C.
Protein change: p.Trp412Arg; replaces tryptophan 412 with arginine.
Molecular consequence: missense variant.
Genome position (GRCh38, 1-based): chr8:144,515,788, A>G on the plus strand (T>C on the coding strand, the complement: RECQL4 is on the minus strand). VCF-style: chr8-144515788-A-G. GRCh37 (hg19) VCF-style: chr8-145741172-A-G.
Other names: short protein forms W412R.
Identifiers: ClinVar variation 579881 (VCV000579881.4), dbSNP rs377546182, ClinGen allele CA4948983.